The following is an entry in ClinVar:

ClinVar aggregate classification (germline): Uncertain significance (1 of 4 stars; one submission).

Conditions:
EGFR-related lung cancer (EGFR). Identifiers: MedGen CN130014.

Submission:

Labcorp Genetics (formerly Invitae), Labcorp
Classification: Uncertain significance for EGFR-related lung cancer. Last evaluated: 2023-01-04. Review status: criteria provided, single submitter. Criteria: Invitae Variant Classification Sherloc (09022015). Collection method: clinical testing. Allele origin: germline.
Comment: In summary, the available evidence is currently insufficient to determine the role of this variant in disease. Therefore, it has been classified as a Variant of Uncertain Significance. Advanced modeling of protein sequence and biophysical properties (such as structural, functional, and spatial information, amino acid conservation, physicochemical variation, residue mobility, and thermodynamic stability) has been performed at Invitae for this missense variant, however the output from this modeling did not meet the statistical confidence thresholds required to predict the impact of this variant on EGFR protein function. This variant has not been reported in the literature in individuals affected with EGFR-related conditions. This variant is not present in population databases (gnomAD no frequency). This sequence change replaces asparagine, which is neutral and polar, with threonine, which is neutral and polar, at codon 103 of the EGFR protein (p.Asn103Thr).

NM_005228.5(EGFR):c.308A>C (p.Asn103Thr)

Gene: EGFR (epidermal growth factor receptor; plus strand). Cytogenetic location: 7p11.2.
Variant type: single nucleotide variant.
Coding change: c.308A>C on transcript NM_005228.5 (MANE Select); coding-DNA position 308, A replaced by C.
Protein change: p.Asn103Thr; replaces asparagine 103 with threonine.
Molecular consequence: missense variant. On other transcripts: intron variant (1).
Genome position (GRCh38, 1-based): chr7:55,143,372, A>C. VCF-style: chr7-55143372-A-C. GRCh37 (hg19) VCF-style: chr7-55211065-A-C.
Other names: c.308A>C, p.Asn103Thr (NM_001346897.2, NM_001346898.2, NM_001346899.2 and 3 more transcripts); c.149A>C, p.Asn50Thr (NM_001346900.2); c.89-12458A>C (NM_001346941.2); short protein forms N103T, N50T.
Identifiers: ClinVar variation 2826084 (VCV002826084.3), dbSNP rs2128927308, ClinGen allele CA367575758.